The following is an entry in ClinVar:

ClinVar aggregate classification (germline): Uncertain significance. Review status: criteria provided, multiple submitters, no conflicts (2 of 4 stars). 2 submissions from 2 submitters: Uncertain significance (2). Last evaluated 2024-08-27.

Allele frequency attached by ClinVar (database versions not stated): gnomAD exomes below 0.00001; ExAC 0.00001; TOPMed 0.00001; gnomAD 0.00002.
gnomAD v4.1: 8 of 1,614,016 alleles (0.0005%); highest among the groups gnomAD compares: African/African-American, 0.004%; no homozygotes.

Submissions (2):

GeneDx
Classification: Uncertain significance. Last evaluated: 2024-08-27. Review status: criteria provided, single submitter. Criteria: GeneDx Variant Classification Process June 2021. Collection method: clinical testing. Allele origin: germline. Affected: yes.
Comment: Not observed at significant frequency in large population cohorts (gnomAD); In silico analysis supports that this missense variant has a deleterious effect on protein structure/function; Has not been previously published as pathogenic or benign to our knowledge

Labcorp Genetics (formerly Invitae), Labcorp
Classification: Uncertain significance. Last evaluated: 2023-09-20. Review status: criteria provided, single submitter. Criteria: Invitae Variant Classification Sherloc (09022015). Collection method: clinical testing. Allele origin: germline.
Comment: In summary, the available evidence is currently insufficient to determine the role of this variant in disease. Therefore, it has been classified as a Variant of Uncertain Significance. Algorithms developed to predict the effect of missense changes on protein structure and function output the following: SIFT: "Not Available"; PolyPhen-2: "Benign"; Align-GVGD: "Not Available". The threonine amino acid residue is found in multiple mammalian species, which suggests that this missense change does not adversely affect protein function. This variant has not been reported in the literature in individuals affected with ANKRD26-related conditions. This variant is present in population databases (rs768665450, gnomAD 0.008%). This sequence change replaces alanine, which is neutral and non-polar, with threonine, which is neutral and polar, at codon 162 of the ANKRD26 protein (p.Ala162Thr).

NM_014915.3(ANKRD26):c.484G>A (p.Ala162Thr)

Gene: ANKRD26 (ankyrin repeat domain 26; minus strand). Cytogenetic location: 10p12.1.
Variant type: single nucleotide variant.
Coding change: c.484G>A on transcript NM_014915.3 (MANE Select); coding-DNA position 484, G replaced by A.
Protein change: p.Ala162Thr; replaces alanine 162 with threonine.
Molecular consequence: missense variant.
Genome position (GRCh38, 1-based): chr10:27,093,396, C>T on the plus strand (G>A on the coding strand, the complement: ANKRD26 is on the minus strand). VCF-style: chr10-27093396-C-T. GRCh37 (hg19) VCF-style: chr10-27382325-C-T.
Other names: c.484G>A, p.Ala162Thr (NM_001256053.2); short protein forms A162T.
Identifiers: ClinVar variation 2887395 (VCV002887395.4), dbSNP rs768665450, ClinGen allele CA5448929.